The following is an entry in ClinVar:

NM_001379270.1(CNGA1):c.1968del (p.Lys657fs)

Genes: CNGA1 (cyclic nucleotide gated channel subunit alpha 1; minus strand), LOC101927157 (uncharacterized LOC101927157; plus strand). Cytogenetic location: 4p12.
Variant type: Deletion.
Coding change: c.1968del on transcript NM_001379270.1 (MANE Select); coding-DNA position 1968, one base deleted (C; older notation c.1968delC).
Protein change: p.Lys657fs; shifts the reading frame from lysine 657.
Molecular consequence: frameshift variant.
Genome position (GRCh38, 1-based): chr4:47,936,514, G deleted on the plus strand (C on the coding strand, the reverse complement: CNGA1 is on the minus strand); the first of 2 consecutive G bases (chr4:47,936,514-47,936,515); deleting either gives the same sequence. VCF-style (leftmost placement, unchanged base first): chr4-47936513-TG-T. GRCh37 (hg19) VCF-style: chr4-47938530-TG-T.
Other names: c.1968del, p.Lys657fs (NM_000087.5, NM_001142564.2); c.1968delC (NM_000087.5); short protein forms K657fs.
Identifiers: ClinVar variation 3727914 (VCV003727914.3).

ClinVar aggregate classification (germline): Uncertain significance. Review status: criteria provided, multiple submitters, no conflicts (2 of 4 stars). 2 submissions from 2 submitters: Uncertain significance (2). Last evaluated 2025-10-13.

Submissions (2):

Women's Health and Genetics/Laboratory Corporation of America, LabCorp
Classification: Uncertain significance. Last evaluated: 2025-10-13. Review status: criteria provided, single submitter. Criteria: LabCorp Variant Classification Summary - May 2015. Collection method: clinical testing. Allele origin: germline.
Comment: Variant summary: CNGA1 c.1968delC (p.Lys657ArgfsX6) results in a premature termination codon, predicted to cause a truncation of the encoded, however nonsense mediated decay is not prediced. The variant was absent in 249290 control chromosomes. The available data on variant occurrences in the general population are insufficient to allow any conclusion about variant significance. To our knowledge, no occurrence of c.1968delC in individuals affected with CNGA1-related conditions and no experimental evidence demonstrating its impact on protein function have been reported. ClinVar contains an entry for this variant (Variation ID: 3727914). Based on the evidence outlined above, the variant was classified as uncertain significance.

Labcorp Genetics (formerly Invitae), Labcorp
Classification: Uncertain significance. Last evaluated: 2024-12-24. Review status: criteria provided, single submitter. Criteria: Invitae Variant Classification Sherloc (09022015). Collection method: clinical testing. Allele origin: germline.
Comment: This sequence change creates a premature translational stop signal (p.Lys661Argfs*6) in the CNGA1 gene. While this is not anticipated to result in nonsense mediated decay, it is expected to disrupt the last 30 amino acid(s) of the CNGA1 protein. This variant is not present in population databases (gnomAD no frequency). This premature translational stop signal has been observed in individual(s) with retinitis pigmentosa (internal data). In at least one individual the data is consistent with being in trans (on the opposite chromosome) from a pathogenic variant. In summary, the available evidence is currently insufficient to determine the role of this variant in disease. Therefore, it has been classified as a Variant of Uncertain Significance.